The following is an entry in ClinVar:

NM_006642.5(SDCCAG8):c.2041C>T (p.Leu681Phe)

Genes: AKT3 (AKT serine/threonine kinase 3; minus strand), SDCCAG8 (SHH signaling and ciliogenesis regulator SDCCAG8; plus strand). Cytogenetic location: 1q43.
Variant type: single nucleotide variant.
Coding change: c.2041C>T on transcript NM_006642.5 (MANE Select); coding-DNA position 2041, C replaced by T.
Protein change: p.Leu681Phe; replaces leucine 681 with phenylalanine.
Molecular consequence: missense variant. On other transcripts: intron variant (1).
Genome position (GRCh38, 1-based): chr1:243,489,069, C>T. VCF-style: chr1-243489069-C-T. GRCh37 (hg19) VCF-style: chr1-243652371-C-T.
Other names: c.1138C>T, p.Leu380Phe (NM_001350246.2, NM_001350247.2, NM_001350251.2); c.2137C>T, p.Leu713Phe (NM_001350248.2); c.1747C>T, p.Leu583Phe (NM_001350249.2); c.*7-619G>A (NM_181690.2); short protein forms L380F, L583F, L681F, L713F.
Identifiers: ClinVar variation 4986031 (VCV004986031.1).

ClinVar aggregate classification (germline): Uncertain significance (1 of 4 stars; one submission).

Conditions:
SDCCAG8-related disorder. Also called: SDCCAG8-Related Disorders; SDCCAG8-related condition.

gnomAD v4.1: 5 of 1,613,304 alleles (0.00031%); highest among the groups gnomAD compares: African/African-American, 0.0013%; no homozygotes.

Submission:

PreventionGenetics, part of Exact Sciences
Classification: Uncertain significance for SDCCAG8-related condition. Last evaluated: 2024-12-05. Review status: criteria provided, single submitter. Criteria: ACMG Guidelines, 2015. Collection method: clinical testing. Allele origin: germline.
Comment: The SDCCAG8 c.2041C>T variant is predicted to result in the amino acid substitution p.Leu681Phe. To our knowledge, this variant has not been reported in the literature or in a large population database (gnomAD), indicating this variant is rare. At this time, the clinical significance of this variant is uncertain due to the absence of conclusive functional and genetic evidence.